The following is an entry in ClinVar:

NM_004714.3(DYRK1B):c.*1C>T

Gene: DYRK1B (dual specificity tyrosine phosphorylation regulated kinase 1B; minus strand). Cytogenetic location: 19q13.2.
Variant type: single nucleotide variant.
Coding change: c.*1C>T on transcript NM_004714.3 (MANE Select); 1 bases downstream of the stop codon, C replaced by T.
Molecular consequence: 3 prime UTR variant.
Genome position (GRCh38, 1-based): chr19:39,825,714, G>A on the plus strand (C>T on the coding strand, the complement: DYRK1B is on the minus strand). VCF-style: chr19-39825714-G-A. GRCh37 (hg19) VCF-style: chr19-40316354-G-A.
Other names: c.*1C>T (NM_006483.3, NM_006484.3).
Identifiers: ClinVar variation 4986779 (VCV004986779.1).

ClinVar aggregate classification (germline): Likely benign (1 of 4 stars; one submission).

Conditions:
DYRK1B-related disorder. Also called: DYRK1B-related condition.

gnomAD v4.1: 4 of 1,548,646 alleles (0.00026%); highest among the groups gnomAD compares: East Asian, 0.0024%; no homozygotes.

Submission:

PreventionGenetics, part of Exact Sciences
Classification: Likely benign for DYRK1B-related condition. Last evaluated: 2024-12-04. Review status: criteria provided, single submitter. Criteria: ACMG Guidelines, 2015. Collection method: clinical testing. Allele origin: germline.
Comment: This variant is classified as likely benign based on ACMG/AMP sequence variant interpretation guidelines (Richards et al. 2015 PMID: 25741868, with internal and published modifications).